The following is an entry in ClinVar:

ClinVar aggregate classification (germline): Uncertain significance (1 of 4 stars; one submission).

Conditions:
Developmental and epileptic encephalopathy. Identifiers: MedGen C5779964, MONDO:0100620.

Submission:

Labcorp Genetics (formerly Invitae), Labcorp
Classification: Uncertain significance for Early infantile epileptic encephalopathy. Last evaluated: 2018-05-16. Review status: criteria provided, single submitter. Criteria: Invitae Variant Classification Sherloc (09022015). Collection method: clinical testing. Allele origin: germline.
Comment: This sequence change falls in intron 24 of the SCN1A gene. It does not directly change the encoded amino acid sequence of the SCN1A protein, but it affects a nucleotide within the consensus splice site of the intron. This variant is not present in population databases (ExAC no frequency). This variant has not been reported in the literature in individuals with SCN1A-related disease. ClinVar contains an entry for this variant (Variation ID: 238604). Nucleotide substitutions within the consensus splice site are a relatively common cause of aberrant splicing (PMID: 17576681, 9536098). Algorithms developed to predict the effect of sequence changes on RNA splicing suggest that this variant may disrupt the consensus splice site, but this prediction has not been confirmed by published transcriptional studies. In summary, the available evidence is currently insufficient to determine the role of this variant in disease. Therefore, it has been classified as a Variant of Uncertain Significance.

NM_001165963.4(SCN1A):c.4582-3C>G

Genes: SCN1A (sodium voltage-gated channel alpha subunit 1; minus strand), LOC102724058 (uncharacterized LOC102724058; plus strand). Cytogenetic location: 2q24.3.
Variant type: single nucleotide variant.
Coding change: c.4582-3C>G on transcript NM_001165963.4 (MANE Select); 3 bases into the intron before coding-DNA position 4582, C replaced by G.
Molecular consequence: intron variant.
Genome position (GRCh38, 1-based): chr2:165,994,419, G>C on the plus strand (C>G on the coding strand, the complement: SCN1A is on the minus strand). VCF-style: chr2-165994419-G-C. GRCh37 (hg19) VCF-style: chr2-166850929-G-C.
Other names: c.4549-3C>G (NM_001353949.2, NM_001353950.2, NM_001353951.2 and 2 more transcripts); c.4498-3C>G (NM_001353958.2, NM_001353957.2, NM_001165964.3); c.4582-3C>G (NM_001202435.3, NM_001353948.2); c.4546-3C>G (NM_001353955.2, NM_001353954.2); c.4495-3C>G (NM_001353960.2); c.2140-3C>G (NM_001353961.2).
Identifiers: ClinVar variation 238604 (VCV000238604.2), dbSNP rs747649993, ClinGen allele CA10581820.